The following is an entry in ClinVar:

NM_000353.3(TAT):c.935T>C (p.Leu312Pro)

Genes: TAT (tyrosine aminotransferase; minus strand), TAT-AS1 (TAT antisense RNA 1; plus strand). Cytogenetic location: 16q22.2.
Variant type: single nucleotide variant.
Coding change: c.935T>C on transcript NM_000353.3 (MANE Select); coding-DNA position 935, T replaced by C.
Protein change: p.Leu312Pro; replaces leucine 312 with proline.
Molecular consequence: missense variant.
Genome position (GRCh38, 1-based): chr16:71,570,375, A>G on the plus strand (T>C on the coding strand, the complement: TAT is on the minus strand). VCF-style: chr16-71570375-A-G. GRCh37 (hg19) VCF-style: chr16-71604278-A-G.
Other names: short protein forms L312P.
Identifiers: ClinVar variation 4536155 (VCV004536155.1).

ClinVar aggregate classification (germline): Uncertain significance (1 of 4 stars; one submission).

Submission:

Women's Health and Genetics/Laboratory Corporation of America, LabCorp
Classification: Uncertain significance. Last evaluated: 2025-09-17. Review status: criteria provided, single submitter. Criteria: LabCorp Variant Classification Summary - May 2015. Collection method: clinical testing. Allele origin: germline.
Comment: Variant summary: TAT c.935T>C (p.Leu312Pro) results in a non-conservative amino acid change in the encoded protein sequence. Algorithms developed to predict the effect of missense changes on protein structure and function all suggest that this variant is likely to be disruptive. The variant was absent in 251472 control chromosomes. The available data on variant occurrences in the general population are insufficient to allow any conclusion about variant significance. c.935T>C has been observed in individual(s) affected with Tyrosinemia type 2 with a complex genotype (example: Gokay_2016). These report(s) do not provide unequivocal conclusions about association of the variant with Tyrosinemia Type 2. To our knowledge, no experimental evidence demonstrating an impact on protein function has been reported. The following publication has been ascertained in the context of this evaluation (PMID: 27285949). No submitters have cited clinical-significance assessments for this variant to ClinVar. Based on the evidence outlined above, the variant was classified as uncertain significance.

Literature cited by the submitters: PubMed 27285949.